The following is an entry in ClinVar:

ClinVar aggregate classification (germline): Uncertain significance (1 of 4 stars; one submission).

Conditions:
Inborn genetic diseases. Identifiers: MedGen C0950123, MeSH D030342.

Submission:

Ambry Genetics
Classification: Uncertain significance for Inborn genetic diseases. Last evaluated: 2023-05-15. Review status: criteria provided, single submitter. Criteria: Ambry Variant Classification Scheme 2023. Collection method: clinical testing. Allele origin: germline.
Comment: The p.N225Y variant (also known as c.673A>T), located in coding exon 5 of the ACD gene, results from an A to T substitution at nucleotide position 673. The asparagine at codon 225 is replaced by tyrosine, an amino acid with dissimilar properties. This amino acid position is conserved. In addition, this alteration is predicted to be tolerated by in silico analysis. Since supporting evidence is limited at this time, the clinical significance of this alteration remains unclear.

NM_001082486.2(ACD):c.415A>T (p.Asn139Tyr)

Gene: ACD (ACD shelterin complex subunit and telomerase recruitment factor; minus strand). Cytogenetic location: 16q22.1.
Variant type: single nucleotide variant.
Coding change: c.415A>T on transcript NM_001082486.2 (MANE Select); coding-DNA position 415, A replaced by T.
Protein change: p.Asn139Tyr; replaces asparagine 139 with tyrosine.
Molecular consequence: missense variant.
Genome position (GRCh38, 1-based): chr16:67,659,418, T>A on the plus strand (A>T on the coding strand, the complement: ACD is on the minus strand). VCF-style: chr16-67659418-T-A. GRCh37 (hg19) VCF-style: chr16-67693321-T-A.
Other names: c.415A>T, p.Asn139Tyr (NM_001410884.1); c.406A>T, p.Asn136Tyr (NM_022914.3); short protein forms N136Y, N139Y.
Identifiers: ClinVar variation 2562322 (VCV002562322.2), dbSNP rs2052951812, ClinGen allele CA396355016.
Genomic context (GRCh38, chr16:67,659,418, plus strand): 5'-CCCAACCCCAGACTCACTCAAGGCAGTCATAGAGCTTTTTCTGAACATCTAAGTCTTGGT[T>A]GCTAAGAAAAAGAGAAGGGTAGTTAATGGGGGCCCAAGCCCTCCTACCCCATAGGCGTCT-3'
Protein context (NP_001075955.2, residues 129-149): EQPRLRVPGC[Asn139Tyr]QDLDVQKKLY